The following is an entry in ClinVar:

ClinVar aggregate classification (germline): Uncertain significance (1 of 4 stars; one submission).

Conditions:
Long QT syndrome (LQTS). Identifiers: MedGen C0023976, MeSH D008133, MONDO:0002442. Disease mechanism: loss of function. Inheritance: Various modes of inheritance.

gnomAD v4.1: 1 of 1,614,090 alleles (0.000062%); highest among the groups gnomAD compares: Non-Finnish European, 0.000085%; no homozygotes.

Submission:

Labcorp Genetics (formerly Invitae), Labcorp
Classification: Uncertain significance for Long QT syndrome. Last evaluated: 2025-08-09. Review status: criteria provided, single submitter. Criteria: Invitae Variant Classification Sherloc (09022015). Collection method: clinical testing. Allele origin: germline.
Comment: This sequence change falls in intron 43 of the ANK2 gene. It does not directly change the encoded amino acid sequence of the ANK2 protein. It affects a nucleotide within the consensus splice site. This variant is not present in population databases (gnomAD no frequency). This variant has not been reported in the literature in individuals affected with ANK2-related conditions. Variants that disrupt the consensus splice site are a relatively common cause of aberrant splicing (PMID: 17576681, 9536098). Algorithms developed to predict the effect of sequence changes on RNA splicing suggest that this variant is not likely to affect RNA splicing. In summary, the available evidence is currently insufficient to determine the role of this variant in disease. Therefore, it has been classified as a Variant of Uncertain Significance.

Literature cited by the submitters: PubMed 17576681; PubMed 9536098.

NM_001148.6(ANK2):c.11610+4A>T

Gene: ANK2 (ankyrin 2; plus strand). Cytogenetic location: 4q26.
Variant type: single nucleotide variant.
Coding change: c.11610+4A>T on transcript NM_001148.6 (MANE Select); 4 bases into the intron after coding-DNA position 11610, A replaced by T.
Molecular consequence: intron variant.
Genome position (GRCh38, 1-based): chr4:113,369,809, A>T. VCF-style: chr4-113369809-A-T. GRCh37 (hg19) VCF-style: chr4-114290965-A-T.
Other names: c.5292+4A>T (NM_001354243.2, NM_001354255.2, NM_001386143.1); c.5193+4A>T (NM_001354262.2, NM_001354275.2, NM_001354245.2); c.5130+4A>T (NM_001354253.2, NM_001354270.2); c.5094+4A>T (NM_001354257.2, NM_001386156.1); c.5169+4A>T (NM_001354249.2, NM_001354266.2, NM_001354276.2 and 2 more transcripts); c.5136+4A>T (NM_001386146.1, NM_001386150.1, NM_001386149.1 and 1 more transcripts); c.11376+4A>T (NM_001386142.1); c.5121+4A>T (NM_001354274.2, NM_001386154.1); and 35 more.
Identifiers: ClinVar variation 4771467 (VCV004771467.1).